The following is an entry in ClinVar:

NM_001378120.1(MBD5):c.4219A>G (p.Lys1407Glu)

Gene: MBD5 (methyl-CpG binding domain protein 5; plus strand). Cytogenetic location: 2q23.1.
Variant type: single nucleotide variant.
Coding change: c.4219A>G on transcript NM_001378120.1 (MANE Select); coding-DNA position 4219, A replaced by G.
Protein change: p.Lys1407Glu; replaces lysine 1407 with glutamic acid.
Molecular consequence: missense variant.
Genome position (GRCh38, 1-based): chr2:148,489,851, A>G. VCF-style: chr2-148489851-A-G. GRCh37 (hg19) VCF-style: chr2-149247420-A-G.
Other names: c.3520A>G, p.Lys1174Glu (NM_018328.5); short protein forms K1174E, K1407E.
Identifiers: ClinVar variation 2856268 (VCV002856268.3), dbSNP rs749902807, ClinGen allele CA1900398.

ClinVar aggregate classification (germline): Uncertain significance (1 of 4 stars; one submission).

Conditions:
Intellectual developmental disorder, autosomal dominant 1. Also called: MBD5 Haploinsufficiency; Intellectual disability, autosomal dominant 1. Identifiers: Orphanet 228402, MedGen C1969562, MONDO:0007974, OMIM 156200.

Allele frequency attached by ClinVar (database versions not stated): ExAC 0.00001; gnomAD exomes 0.00001.
gnomAD v4.1: 5 of 1,614,138 alleles (0.00031%); highest among the groups gnomAD compares: Non-Finnish European, 0.00034%; no homozygotes.

Submission:

Labcorp Genetics (formerly Invitae), Labcorp
Classification: Uncertain significance for Intellectual developmental disorder, autosomal dominant 1. Last evaluated: 2023-04-14. Review status: criteria provided, single submitter. Criteria: Invitae Variant Classification Sherloc (09022015). Collection method: clinical testing. Allele origin: germline.
Comment: In summary, the available evidence is currently insufficient to determine the role of this variant in disease. Therefore, it has been classified as a Variant of Uncertain Significance. Experimental studies and prediction algorithms are not available or were not evaluated, and the functional significance of this variant is currently unknown. This variant has not been reported in the literature in individuals affected with MBD5-related conditions. This variant is present in population databases (rs749902807, gnomAD 0.002%). This sequence change replaces lysine, which is basic and polar, with glutamic acid, which is acidic and polar, at codon 1174 of the MBD5 protein (p.Lys1174Glu).